The following is an entry in ClinVar:

ClinVar aggregate classification (germline): Benign (1 of 4 stars; one submission).

Allele frequency attached by ClinVar (database versions not stated): gnomAD 0.20478 and 0.20501; 1000 Genomes Project 0.21286; TOPMed 0.21573; 1000 Genomes Project 30x 0.21768.
gnomAD v4.1: 31,107 of 152,180 alleles (20%); highest among the groups gnomAD compares: Middle Eastern, 29%; 3,448 homozygotes.

Submission:

GeneDx
Classification: Benign. Last evaluated: 2018-06-14. Review status: criteria provided, single submitter. Criteria: GeneDx Variant Classification (06012015). Collection method: clinical testing. Allele origin: germline. Affected: yes.
Comment: This variant is considered likely benign or benign based on one or more of the following criteria: it is a conservative change, it occurs at a poorly conserved position in the protein, it is predicted to be benign by multiple in silico algorithms, and/or has population frequency not consistent with disease.

NM_002693.3(POLG):c.1712+177C>T

Gene: POLG (DNA polymerase gamma, catalytic subunit; minus strand). Cytogenetic location: 15q26.1.
Variant type: single nucleotide variant.
Coding change: c.1712+177C>T on transcript NM_002693.3 (MANE Select); 177 bases into the intron after coding-DNA position 1712, C replaced by T.
Molecular consequence: intron variant.
Genome position (GRCh38, 1-based): chr15:89,326,435, G>A on the plus strand (C>T on the coding strand, the complement: POLG is on the minus strand). VCF-style: chr15-89326435-G-A. GRCh37 (hg19) VCF-style: chr15-89869666-G-A.
Other names: c.1712+177C>T (NM_001126131.2).
Identifiers: ClinVar variation 667969 (VCV000667969.1), dbSNP rs2074885, ClinGen allele CA14089289.